The following is an entry in ClinVar:

NM_022773.4(LMF1):c.894C>G (p.Phe298Leu)

Gene: LMF1 (lipase maturation factor 1; minus strand). Cytogenetic location: 16p13.3.
Variant type: single nucleotide variant.
Coding change: c.894C>G on transcript NM_022773.4 (MANE Select); coding-DNA position 894, C replaced by G.
Protein change: p.Phe298Leu; replaces phenylalanine 298 with leucine.
Molecular consequence: missense variant. On other transcripts: non-coding transcript variant (1).
Genome position (GRCh38, 1-based): chr16:879,573, G>C on the plus strand (C>G on the coding strand, the complement: LMF1 is on the minus strand). VCF-style: chr16-879573-G-C. GRCh37 (hg19) VCF-style: chr16-929573-G-C.
Other names: c.243C>G, p.Phe81Leu (NM_001352017.2, NM_001352021.2); c.495C>G, p.Phe165Leu (NM_001352018.2); c.567C>G, p.Phe189Leu (NM_001352019.2); c.894C>G, p.Phe298Leu (NM_001352020.1); short protein forms F165L, F189L, F298L, F81L.
Identifiers: ClinVar variation 3227819 (VCV003227819.1), dbSNP rs760946397, ClinGen allele CA394131332.

ClinVar aggregate classification (germline): Uncertain significance (1 of 4 stars; one submission).

Conditions:
Cardiovascular phenotype. Identifiers: MedGen CN230736.

Allele frequency attached by ClinVar (database versions not stated): gnomAD 0.00001.
gnomAD v4.1: 2 of 1,612,686 alleles (0.00012%); highest among the groups gnomAD compares: African/African-American, 0.0027%; no homozygotes.

Submission:

Ambry Genetics
Classification: Uncertain significance for Cardiovascular phenotype. Last evaluated: 2023-09-22. Review status: criteria provided, single submitter. Criteria: Ambry Variant Classification Scheme 2023. Collection method: clinical testing. Allele origin: germline.
Comment: The p.F298L variant (also known as c.894C>G), located in coding exon 6 of the LMF1 gene, results from a C to G substitution at nucleotide position 894. The phenylalanine at codon 298 is replaced by leucine, an amino acid with highly similar properties. This amino acid position is conserved. In addition, this alteration is predicted to be tolerated by in silico analysis. Since supporting evidence is limited at this time, the clinical significance of this alteration remains unclear.